The following is an entry in ClinVar:

NM_006231.4(POLE):c.5116A>T (p.Met1706Leu)

Gene: POLE (DNA polymerase epsilon, catalytic subunit; minus strand). Cytogenetic location: 12q24.33.
Variant type: single nucleotide variant.
Coding change: c.5116A>T on transcript NM_006231.4 (MANE Select); coding-DNA position 5116, A replaced by T.
Protein change: p.Met1706Leu; replaces methionine 1706 with leucine.
Molecular consequence: missense variant.
Genome position (GRCh38, 1-based): chr12:132,642,234, T>A on the plus strand (A>T on the coding strand, the complement: POLE is on the minus strand). VCF-style: chr12-132642234-T-A. GRCh37 (hg19) VCF-style: chr12-133218820-T-A.
Other names: short protein forms M1706L.
Identifiers: ClinVar variation 473712 (VCV000473712.13), dbSNP rs1478959461, ClinGen allele CA387376856.

ClinVar aggregate classification (germline): Uncertain significance. Review status: criteria provided, multiple submitters, no conflicts (2 of 4 stars). 3 submissions from 3 submitters: Uncertain significance (3). Last evaluated 2024-12-11.

Conditions:
Hereditary cancer-predisposing syndrome. Also called: Tumor predisposition; Neoplastic Syndromes, Hereditary; Hereditary neoplastic syndrome; Hereditary Cancer Syndrome. Identifiers: Orphanet 140162, MedGen C0027672, MeSH D009386, MONDO:0015356.
Colorectal cancer, susceptibility to, 12 (CRCS12). Also called: COLORECTAL CANCER, SUSCEPTIBILITY TO, ON CHROMOSOME 12q24. Identifiers: Orphanet 220460, MedGen C3554460, MONDO:0014038, OMIM 615083.
Facial dysmorphism-immunodeficiency-livedo-short stature syndrome. Also called: FILS syndrome; Facial dysmorphism, immunodeficiency, livedo, and short stature. Identifiers: Orphanet 352712, MedGen C3554576, MONDO:0014058, OMIM 615139.

Allele frequency attached by ClinVar (database versions not stated): TOPMed below 0.00001; gnomAD 0.00001.

Submissions (3):

Ambry Genetics
Classification: Uncertain significance for Hereditary cancer-predisposing syndrome. Last evaluated: 2024-12-11. Review status: criteria provided, single submitter. Criteria: Ambry Variant Classification Scheme 2023. Collection method: clinical testing. Allele origin: germline.
Comment: The p.M1706L variant (also known as c.5116A>T), located in coding exon 38 of the POLE gene, results from an A to T substitution at nucleotide position 5116. The methionine at codon 1706 is replaced by leucine, an amino acid with highly similar properties. This amino acid position is conserved. In addition, this alteration is predicted to be tolerated by in silico analysis. Since supporting evidence is limited at this time, the clinical significance of this alteration remains unclear.

Labcorp Genetics (formerly Invitae), Labcorp
Classification: Uncertain significance. Last evaluated: 2023-12-18. Review status: criteria provided, single submitter. Criteria: Invitae Variant Classification Sherloc (09022015). Collection method: clinical testing. Allele origin: germline.
Comment: This sequence change replaces methionine, which is neutral and non-polar, with leucine, which is neutral and non-polar, at codon 1706 of the POLE protein (p.Met1706Leu). This variant is not present in population databases (gnomAD no frequency). This variant has not been reported in the literature in individuals affected with POLE-related conditions. ClinVar contains an entry for this variant (Variation ID: 473712). Advanced modeling of protein sequence and biophysical properties (such as structural, functional, and spatial information, amino acid conservation, physicochemical variation, residue mobility, and thermodynamic stability) performed at Invitae indicates that this missense variant is not expected to disrupt POLE protein function with a negative predictive value of 80%. In summary, the available evidence is currently insufficient to determine the role of this variant in disease. Therefore, it has been classified as a Variant of Uncertain Significance.

GeneDx
Classification: Uncertain significance. Last evaluated: 2023-06-30. Review status: criteria provided, single submitter. Criteria: GeneDx Variant Classification Process June 2021. Collection method: clinical testing. Allele origin: germline.
Comment: Not observed at significant frequency in large population cohorts (gnomAD); In silico analysis supports that this missense variant does not alter protein structure/function; Has not been previously published as pathogenic or benign to our knowledge